The following is an entry in ClinVar:

NM_005188.4(CBL):c.2684T>C (p.Phe895Ser)

Gene: CBL (Cbl proto-oncogene; plus strand). Cytogenetic location: 11q23.3.
Variant type: single nucleotide variant.
Coding change: c.2684T>C on transcript NM_005188.4 (MANE Select); coding-DNA position 2684, T replaced by C.
Protein change: p.Phe895Ser; replaces phenylalanine 895 with serine.
Molecular consequence: missense variant.
Genome position (GRCh38, 1-based): chr11:119,299,744, T>C. VCF-style: chr11-119299744-T-C. GRCh37 (hg19) VCF-style: chr11-119170454-T-C.
Other names: short protein forms F895S.
Identifiers: ClinVar variation 2113627 (VCV002113627.5), dbSNP rs2496976276, ClinGen allele CA382934144.
Genomic context (GRCh38, chr11:119,299,744, plus strand): 5'-AGAAAGCTTTGGTCATTGCCCAGAACAACATCGAGATGGCCAAAAACATCCTCCGGGAAT[T>C]TGTTTCCATTTCTTCTCCTGCCCATGTAGCTACCTAGCACACCATCTCCCTGCTGCAGGT-3'
Protein context (NP_005179.2, residues 885-905): IEMAKNILRE[Phe895Ser]VSISSPAHVA

ClinVar aggregate classification (germline): Uncertain significance. Review status: criteria provided, multiple submitters, no conflicts (2 of 4 stars). 2 submissions from 2 submitters: Uncertain significance (2). Last evaluated 2025-03-18.

Conditions:
RASopathy. Also called: rasopathies; Noonan spectrum disorder. Identifiers: Orphanet 536391, MedGen C5555857, MONDO:0021060.

Allele frequency attached by ClinVar (database versions not stated): gnomAD exomes below 0.00001.
gnomAD v4.1: 1 of 1,614,154 alleles (0.000062%); highest among the groups gnomAD compares: Non-Finnish European, 0.000085%; no homozygotes.

Submissions (2):

Labcorp Genetics (formerly Invitae), Labcorp
Classification: Uncertain significance for RASopathy. Last evaluated: 2025-03-18. Review status: criteria provided, single submitter. Criteria: Invitae Variant Classification Sherloc (09022015). Collection method: clinical testing. Allele origin: germline.
Comment: This sequence change replaces phenylalanine, which is neutral and non-polar, with serine, which is neutral and polar, at codon 895 of the CBL protein (p.Phe895Ser). This variant is not present in population databases (gnomAD no frequency). This variant has not been reported in the literature in individuals affected with CBL-related conditions. ClinVar contains an entry for this variant (Variation ID: 2113627). Invitae Evidence Modeling of protein sequence and biophysical properties (such as structural, functional, and spatial information, amino acid conservation, physicochemical variation, residue mobility, and thermodynamic stability) indicates that this missense variant is expected to disrupt CBL protein function with a positive predictive value of 95%. In summary, the available evidence is currently insufficient to determine the role of this variant in disease. Therefore, it has been classified as a Variant of Uncertain Significance.

Women's Health and Genetics/Laboratory Corporation of America, LabCorp
Classification: Uncertain significance. Last evaluated: 2023-09-25. Review status: criteria provided, single submitter. Criteria: LabCorp Variant Classification Summary - May 2015. Collection method: clinical testing. Allele origin: germline.